The following is an entry in ClinVar:

ClinVar aggregate classification (germline): Uncertain significance. Review status: criteria provided, multiple submitters, no conflicts (2 of 4 stars). 5 submissions from 5 submitters: Uncertain significance (5). Last evaluated 2026-10-01.

Conditions:
Hypomagnesemia, seizures, and impaired intellectual development 1. Also called: Hypomagnesemia, seizures, and intellectual disability 1. Identifiers: Orphanet 34527, MedGen C4225333, MONDO:0020787, OMIM 616418.
Renal hypomagnesemia 6. Identifiers: Orphanet 34527, MedGen C3151295, MONDO:0013480, OMIM 613882.

Allele frequency attached by ClinVar (database versions not stated): gnomAD exomes 0.00016 and 0.00006; TOPMed 0.00011; ExAC 0.00004; ESP Exome Variant Server 0.00008; gnomAD 0.00015.
gnomAD v4.1: 259 of 1,604,416 alleles (0.016%); highest among the groups gnomAD compares: Non-Finnish European, 0.02%; no homozygotes.

Submissions (5):

CeGaT Center for Human Genetics Tuebingen
Classification: Uncertain significance. Last evaluated: 2026-10-01. Review status: criteria provided, single submitter. Criteria: CeGaT Center For Human Genetics Tuebingen Variant Classification Criteria Version 2. Collection method: clinical testing. Allele origin: germline. Affected: yes. Observed: 2 variant alleles.
Comment: CNNM2: PM2:Supporting, PP2

Labcorp Genetics (formerly Invitae), Labcorp
Classification: Uncertain significance. Last evaluated: 2025-04-19. Review status: criteria provided, single submitter. Criteria: Invitae Variant Classification Sherloc (09022015). Collection method: clinical testing. Allele origin: germline.
Comment: This sequence change replaces glycine, which is neutral and non-polar, with glutamic acid, which is acidic and polar, at codon 16 of the CNNM2 protein (p.Gly16Glu). This variant is present in population databases (rs370580602, gnomAD 0.01%). This variant has not been reported in the literature in individuals affected with CNNM2-related conditions. ClinVar contains an entry for this variant (Variation ID: 1430577). An algorithm developed to predict the effect of missense changes on protein structure and function (PolyPhen-2) suggests that this variant is likely to be disruptive. In summary, the available evidence is currently insufficient to determine the role of this variant in disease. Therefore, it has been classified as a Variant of Uncertain Significance.

GeneDx
Classification: Uncertain significance. Last evaluated: 2022-08-04. Review status: criteria provided, single submitter. Criteria: GeneDx Variant Classification Process June 2021. Collection method: clinical testing. Allele origin: germline. Affected: yes.
Comment: In silico analysis supports that this missense variant does not alter protein structure/function; Has not been previously published as pathogenic or benign to our knowledge

Fulgent Genetics
Classification: Uncertain significance for Renal hypomagnesemia 6; Hypomagnesemia, seizures, and impaired intellectual development 1. Last evaluated: 2021-12-13. Review status: criteria provided, single submitter. Criteria: ACMG Guidelines, 2015. Collection method: clinical testing. Allele origin: unknown.

Revvity Omics, Revvity
Classification: Uncertain significance. Last evaluated: 2019-11-14. Review status: criteria provided, single submitter. Criteria: ACMG Guidelines, 2015. Collection method: clinical testing. Allele origin: germline.

NM_017649.5(CNNM2):c.47G>A (p.Gly16Glu)

Gene: CNNM2 (cyclin and CBS domain divalent metal cation transport mediator 2; plus strand). Cytogenetic location: 10q24.32.
Variant type: single nucleotide variant.
Coding change: c.47G>A on transcript NM_017649.5 (MANE Select); coding-DNA position 47, G replaced by A.
Protein change: p.Gly16Glu; replaces glycine 16 with glutamic acid.
Molecular consequence: missense variant.
Genome position (GRCh38, 1-based): chr10:102,918,527, G>A. VCF-style: chr10-102918527-G-A. GRCh37 (hg19) VCF-style: chr10-104678284-G-A.
Other names: c.47G>A (NM_017649.4); c.47G>A, p.Gly16Glu (NM_199076.3, NM_199077.3); short protein forms G16E.
Identifiers: ClinVar variation 1430577 (VCV001430577.41), dbSNP rs370580602, ClinGen allele CA5670207.
Genomic context (GRCh38, chr10:102,918,527, plus strand): 5'-GGAGCAGCCACCCTATGATTGGCTGTGGCGCTTGTGAACCCAAAGTAAAGATGGCGGGCG[G>A]GCAGGCAGCCGCCGCACTGCCCACTTGGAAGATGGCGGCGCGCCGCAGCCTCAGCGCTCG-3'
Protein context (NP_060119.3, residues 6-26): ACEPKVKMAG[Gly16Glu]QAAAALPTWK